The following is an entry in ClinVar:

NM_003072.5(SMARCA4):c.259G>T (p.Asp87Tyr)

Gene: SMARCA4 (SWI/SNF related BAF chromatin remodeling complex subunit ATPase 4; plus strand). Cytogenetic location: 19p13.2.
Variant type: single nucleotide variant.
Coding change: c.259G>T on transcript NM_003072.5 (MANE Select); coding-DNA position 259, G replaced by T.
Protein change: p.Asp87Tyr; replaces aspartic acid 87 with tyrosine.
Molecular consequence: missense variant. On other transcripts: non-coding transcript variant (1).
Genome position (GRCh38, 1-based): chr19:10,985,309, G>T. VCF-style: chr19-10985309-G-T. GRCh37 (hg19) VCF-style: chr19-11095985-G-T.
Other names: c.259G>T, p.Asp87Tyr (NM_001128844.3, NM_001128845.2, NM_001128846.2 and 4 more transcripts); short protein forms D87Y.
Identifiers: ClinVar variation 846492 (VCV000846492.9), dbSNP rs1366085446, ClinGen allele CA404055156.
Genomic context (GRCh38, chr19:10,985,309, plus strand): 5'-GCCTTGCCATGGTCCCTCTCGCAGCCCATGGAGTCCATGCATGAGAAGGGCATGTCGGAC[G>T]ACCCGCGCTACAACCAGATGAAAGGAATGGGGATGCGGTCAGGGGGCCATGCTGGGATGG-3'
Protein context (NP_003063.2, residues 77-97): ESMHEKGMSD[Asp87Tyr]PRYNQMKGMG

ClinVar aggregate classification (germline): Uncertain significance (1 of 4 stars; one submission).

Conditions:
Rhabdoid tumor predisposition syndrome 2 (RTPS2). Identifiers: Orphanet 231108, Orphanet 69077, MedGen C2750074, MONDO:0013224, OMIM 613325.

Submission:

Labcorp Genetics (formerly Invitae), Labcorp
Classification: Uncertain significance for Rhabdoid tumor predisposition syndrome 2. Last evaluated: 2019-12-03. Review status: criteria provided, single submitter. Criteria: Invitae Variant Classification Sherloc (09022015). Collection method: clinical testing. Allele origin: germline.
Comment: In summary, the available evidence is currently insufficient to determine the role of this variant in disease. Therefore, it has been classified as a Variant of Uncertain Significance. This sequence change replaces aspartic acid with tyrosine at codon 87 of the SMARCA4 protein (p.Asp87Tyr). The aspartic acid residue is highly conserved and there is a large physicochemical difference between aspartic acid and tyrosine. This variant is not present in population databases (ExAC no frequency). This variant has not been reported in the literature in individuals with SMARCA4-related conditions. Algorithms developed to predict the effect of missense changes on protein structure and function (SIFT, PolyPhen-2, Align-GVGD) all suggest that this variant is likely to be disruptive, but these predictions have not been confirmed by published functional studies and their clinical significance is uncertain.